The following is an entry in ClinVar:

NM_025137.4(SPG11):c.7152-14_7152-10dup

Gene: SPG11 (SPG11 vesicle trafficking associated, spatacsin; minus strand). Cytogenetic location: 15q21.1.
Variant type: Duplication.
Coding change: c.7152-14_7152-10dup on transcript NM_025137.4 (MANE Select); 14 bases into the intron before coding-DNA position 7152 through 10 bases into the intron before coding-DNA position 7152, 5 bases duplicated (GTTTC; older notation c.7152-14_7152-10dupGTTTC).
Molecular consequence: intron variant.
Genome position (GRCh38, 1-based): chr15:44,563,311-44,563,315, GAAAC duplicated on the plus strand (GTTTC on the coding strand, the reverse complement: SPG11 is on the minus strand). VCF-style (leftmost placement, unchanged base first): chr15-44563310-A-AGAAAC. GRCh37 (hg19) VCF-style: chr15-44855508-A-AGAAAC.
Other names: p.?; c.6813-14_6813-10dup (NM_001160227.2).
Identifiers: ClinVar variation 994510 (VCV000994510.20), dbSNP rs566399432, ClinGen allele CA7533865.

ClinVar aggregate classification (germline): Benign/Likely benign. Review status: criteria provided, multiple submitters, no conflicts (2 of 4 stars). 10 submissions from 8 submitters: Benign (1); Likely benign (7). 2 of the submissions do not count toward it. Last evaluated 2026-02-02.

Conditions:
Amyotrophic lateral sclerosis type 5 (ALS5). Also called: AMYOTROPHIC LATERAL SCLEROSIS 5, JUVENILE. Identifiers: Orphanet 300605, MedGen C1865864, MONDO:0011196, OMIM 602099.
Hereditary spastic paraplegia 11. Also called: Nakamura Osame syndrome; Autosomal recessive hereditary spastic paraplegia, mental impairment, and thin corpus callosum; Spastic paraplegia, mental retardation and thin corpus callosum; Spastic Paraplegia 11; SPASTIC PARAPLEGIA, AUTOSOMAL RECESSIVE, COMPLICATED, WITH THIN CORPUS CALLOSUM; SPASTIC PARAPLEGIA, AUTOSOMAL RECESSIVE, WITH MENTAL IMPAIRMENT AND THIN CORPUS CALLOSUM. Identifiers: Orphanet 2822, MedGen C1858479, MONDO:0011445, OMIM 604360.
Charcot-Marie-Tooth disease axonal type 2X. Also called: CHARCOT-MARIE-TOOTH DISEASE, AXONAL, AUTOSOMAL RECESSIVE, TYPE 2X; CHARCOT-MARIE-TOOTH NEUROPATHY, TYPE 2X. Identifiers: Orphanet 466775, MedGen C5569024, MONDO:0014726, OMIM 616668.

Allele frequency attached by ClinVar (database versions not stated): 1000 Genomes Project 30x 0.00016; gnomAD exomes 0.00026 and 0.00039; ESP Exome Variant Server 0.00032; TOPMed 0.00032; ExAC 0.00036; gnomAD 0.00048 and 0.00050.

Submissions (10):

Labcorp Genetics (formerly Invitae), Labcorp
Classification: Likely benign for Hereditary spastic paraplegia 11. Last evaluated: 2026-02-02. Review status: criteria provided, single submitter. Criteria: Invitae Variant Classification Sherloc (09022015). Collection method: clinical testing. Allele origin: germline.

Mayo Clinic Laboratories, Mayo Clinic
Classification: Likely benign. Last evaluated: 2025-11-27. Review status: criteria provided, single submitter. Criteria: ACMG Guidelines, 2015. Collection method: clinical testing. Allele origin: germline. Observed: 1 variant allele.
Comment: BP4, BP7

Blueprint Genetics
Classification: Likely benign. Last evaluated: 2024-11-14. Review status: criteria provided, single submitter. Criteria: ACMG Guidelines, 2015. Collection method: clinical testing. Allele origin: germline.

GeneDx
Classification: Likely benign. Last evaluated: 2023-06-26. Review status: criteria provided, single submitter. Criteria: GeneDx Variant Classification Process June 2021. Collection method: clinical testing. Allele origin: germline. Affected: yes.
Comment: See Variant Classification Assertion Criteria.

Athena Diagnostics
Classification: Benign. Last evaluated: 2019-11-12. Review status: criteria provided, single submitter. Criteria: Athena Diagnostics Criteria. Collection method: clinical testing. Allele origin: unknown.

Genome-Nilou Lab
Classification: Likely benign for Amyotrophic lateral sclerosis type 5. Review status: criteria provided, single submitter. Criteria: ACMG Guidelines, 2015. Collection method: clinical testing. Allele origin: germline.

Genome-Nilou Lab
Classification: Likely benign for Charcot-Marie-Tooth disease axonal type 2X. Review status: criteria provided, single submitter. Criteria: ACMG Guidelines, 2015. Collection method: clinical testing. Allele origin: germline.

Genome-Nilou Lab
Classification: Likely benign for Hereditary spastic paraplegia 11. Review status: criteria provided, single submitter. Criteria: ACMG Guidelines, 2015. Collection method: clinical testing. Allele origin: germline.

Clinical Genetics DNA and cytogenetics Diagnostics Lab, Erasmus MC, Erasmus Medical Center
Classification: Likely benign. Review status: no assertion criteria provided. Collection method: clinical testing. Allele origin: germline. Affected: yes. Study: VKGL Data-share Consensus. Not counted in ClinVar's aggregate classification.

Genome Diagnostics Laboratory, Amsterdam University Medical Center
Classification: Likely benign. Review status: no assertion criteria provided. Collection method: clinical testing. Allele origin: germline. Affected: yes. Study: VKGL Data-share Consensus. Not counted in ClinVar's aggregate classification.